The following is an entry in ClinVar:

NM_002386.4(MC1R):c.719C>G (p.Ala240Gly)

Gene: MC1R (melanocortin 1 receptor; plus strand). Cytogenetic location: 16q24.3.
Variant type: single nucleotide variant.
Coding change: c.719C>G on transcript NM_002386.4 (MANE Select); coding-DNA position 719, C replaced by G.
Protein change: p.Ala240Gly; replaces alanine 240 with glycine.
Molecular consequence: missense variant.
Genome position (GRCh38, 1-based): chr16:89,919,977, C>G. VCF-style: chr16-89919977-C-G. GRCh37 (hg19) VCF-style: chr16-89986385-C-G.
Other names: short protein forms A240G.
Identifiers: ClinVar variation 3640359 (VCV003640359.2).

ClinVar aggregate classification (germline): Uncertain significance (1 of 4 stars; one submission).

Conditions:
Melanoma, cutaneous malignant, susceptibility to, 5. Also called: Cutaneous malignant melanoma 5. Identifiers: Orphanet 618, MedGen C2751295, MONDO:0013133, OMIM 613099.

Submission:

Labcorp Genetics (formerly Invitae), Labcorp
Classification: Uncertain significance for Melanoma, cutaneous malignant, susceptibility to, 5. Last evaluated: 2024-02-18. Review status: criteria provided, single submitter. Criteria: Invitae Variant Classification Sherloc (09022015). Collection method: clinical testing. Allele origin: germline.
Comment: This sequence change replaces alanine, which is neutral and non-polar, with glycine, which is neutral and non-polar, at codon 240 of the MC1R protein (p.Ala240Gly). This variant is present in population databases (no rsID available, gnomAD 0.0009%). This variant has not been reported in the literature in individuals affected with MC1R-related conditions. Advanced modeling of protein sequence and biophysical properties (such as structural, functional, and spatial information, amino acid conservation, physicochemical variation, residue mobility, and thermodynamic stability) performed at Invitae indicates that this missense variant is expected to disrupt MC1R protein function with a positive predictive value of 80%. In summary, the available evidence is currently insufficient to determine the role of this variant in disease. Therefore, it has been classified as a Variant of Uncertain Significance.